The following is an entry in ClinVar:

ClinVar aggregate classification (germline): Uncertain significance (1 of 4 stars; one submission).

Submission:

GeneDx
Classification: Uncertain significance. Last evaluated: 2025-07-17. Review status: criteria provided, single submitter. Criteria: GeneDx Variant Classification Process June 2021. Collection method: clinical testing. Allele origin: germline. Affected: yes.
Comment: Not observed at significant frequency in large population cohorts (gnomAD); In silico analysis supports that this missense variant has a deleterious effect on protein structure/function; Has not been previously published as pathogenic or benign to our knowledge

NM_020987.5(ANK3):c.1709A>C (p.His570Pro)

Gene: ANK3 (ankyrin 3; minus strand). Cytogenetic location: 10q21.2.
Variant type: single nucleotide variant.
Coding change: c.1709A>C on transcript NM_020987.5 (MANE Select); coding-DNA position 1709, A replaced by C.
Protein change: p.His570Pro; replaces histidine 570 with proline.
Molecular consequence: missense variant.
Genome position (GRCh38, 1-based): chr10:60,196,606, T>G on the plus strand (A>C on the coding strand, the complement: ANK3 is on the minus strand). VCF-style: chr10-60196606-T-G. GRCh37 (hg19) VCF-style: chr10-61956364-T-G.
Other names: c.1691A>C, p.His564Pro (NM_001204403.2); c.1658A>C, p.His553Pro (NM_001204404.2); c.1709A>C, p.His570Pro (NM_001320874.2); short protein forms H553P, H564P, H570P.
Identifiers: ClinVar variation 4686446 (VCV004686446.1).